The following is an entry in ClinVar:

NM_001941.5(DSC3):c.2218C>T (p.Pro740Ser)

Gene: DSC3 (desmocollin 3; minus strand). Cytogenetic location: 18q12.1.
Variant type: single nucleotide variant.
Coding change: c.2218C>T on transcript NM_001941.5 (MANE Select); coding-DNA position 2218, C replaced by T.
Protein change: p.Pro740Ser; replaces proline 740 with serine.
Molecular consequence: missense variant.
Genome position (GRCh38, 1-based): chr18:31,001,635, G>A on the plus strand (C>T on the coding strand, the complement: DSC3 is on the minus strand). VCF-style: chr18-31001635-G-A. GRCh37 (hg19) VCF-style: chr18-28581601-G-A.
Other names: c.2218C>T, p.Pro740Ser (NM_024423.4); short protein forms P740S.
Identifiers: ClinVar variation 3033281 (VCV003033281.3), dbSNP rs114935867, ClinGen allele CA8924079.

ClinVar aggregate classification (germline): Likely benign. Review status: criteria provided, single submitter (1 of 4 stars). 2 submissions from 2 submitters: Likely benign (1). 1 of the submissions does not count toward it. Last evaluated 2024-11-27.

Conditions:
DSC3-related disorder. Also called: DSC3-related condition.

Allele frequency attached by ClinVar (database versions not stated): 1000 Genomes Project 0.00120; 1000 Genomes Project 30x 0.00156; TOPMed 0.00204; gnomAD 0.00236; ExAC 0.00250; ESP Exome Variant Server 0.00277; gnomAD exomes 0.00332.
gnomAD v4.1: 5,131 of 1,610,450 alleles (0.32%); highest among the groups gnomAD compares: Non-Finnish European, 0.38%; 10 homozygotes.

Submissions (2):

Blueprint Genetics
Classification: Likely benign. Last evaluated: 2024-11-27. Review status: criteria provided, single submitter. Criteria: ACMG Guidelines, 2015. Collection method: clinical testing. Allele origin: germline.

PreventionGenetics, part of Exact Sciences
Classification: Likely benign for DSC3-related condition. Last evaluated: 2019-08-16. Review status: no assertion criteria provided. Collection method: clinical testing. Allele origin: germline. Not counted in ClinVar's aggregate classification.
Comment: This variant is classified as likely benign based on ACMG/AMP sequence variant interpretation guidelines (Richards et al. 2015 PMID: 25741868, with internal and published modifications).